The following is an entry in ClinVar:

ClinVar aggregate classification (germline): Likely benign (1 of 4 stars; one submission).

Submission:

CeGaT Center for Human Genetics Tuebingen
Classification: Likely benign. Last evaluated: 2023-03-01. Review status: criteria provided, single submitter. Criteria: CeGaT Center For Human Genetics Tuebingen Variant Classification Criteria Version 2. Collection method: clinical testing. Allele origin: germline. Affected: yes. Observed: 1 variant allele.
Comment: NBPF20: BS2; NBPF26: BS2

NM_001278267.1(NBPF20):c.-893-3350C>G

Genes: NBPF20 (NBPF member 20; minus strand), NBPF26 (NBPF member 26; plus strand). Cytogenetic location: 1q21.2.
Variant type: single nucleotide variant.
Coding change: c.-893-3350C>G on transcript NM_001278267.1; 3350 bases into the intron before 893 bases upstream of the start codon, C replaced by G.
Identifiers: ClinVar variation 2639138 (VCV002639138.19), dbSNP rs199985121, ClinGen allele CA1068266.